The following is an entry in ClinVar:

ClinVar aggregate classification (germline): Likely benign (1 of 4 stars; one submission).

Allele frequency attached by ClinVar (database versions not stated): gnomAD exomes below 0.00001 and 0.00001; ExAC 0.00001.
gnomAD v4.1: 4 of 1,610,528 alleles (0.00025%); highest among the groups gnomAD compares: Middle Eastern, 0.017%; no homozygotes.

Submission:

GeneDx
Classification: Likely benign. Last evaluated: 2017-02-07. Review status: criteria provided, single submitter. Criteria: GeneDx Variant Classification (06012015). Collection method: clinical testing. Allele origin: germline. Affected: yes.
Comment: This variant is considered likely benign or benign based on one or more of the following criteria: it is a conservative change, it occurs at a poorly conserved position in the protein, it is predicted to be benign by multiple in silico algorithms, and/or has population frequency not consistent with disease.

NM_002949.4(MRPL12):c.261+4T>C

Gene: MRPL12 (mitochondrial ribosomal protein L12; plus strand). Cytogenetic location: 17q25.3.
Variant type: single nucleotide variant.
Coding change: c.261+4T>C on transcript NM_002949.4 (MANE Select); 4 bases into the intron after coding-DNA position 261, T replaced by C.
Molecular consequence: intron variant.
Genome position (GRCh38, 1-based): chr17:81,704,434, T>C. VCF-style: chr17-81704434-T-C. GRCh37 (hg19) VCF-style: chr17-79671464-T-C.
Identifiers: ClinVar variation 507145 (VCV000507145.1), dbSNP rs762039084, ClinGen allele CA8841294.